The following is an entry in ClinVar:

ClinVar aggregate classification (germline): Pathogenic. Review status: criteria provided, multiple submitters, no conflicts (2 of 4 stars). 4 submissions from 4 submitters: Pathogenic (4). Last evaluated 2024-07-10.

Conditions:
Hereditary diffuse gastric adenocarcinoma (HDGC). Also called: DIFFUSE GASTRIC AND LOBULAR BREAST CANCER SYNDROME. Identifiers: Orphanet 26106, MedGen C1708349, MONDO:0007648, OMIM 137215.
Hereditary cancer-predisposing syndrome. Also called: Hereditary neoplastic syndrome; Neoplastic Syndromes, Hereditary; Hereditary Cancer Syndrome; Tumor predisposition. Identifiers: Orphanet 140162, MedGen C0027672, MeSH D009386, MONDO:0015356.

Submissions (4):

Myriad Genetics, Inc.
Classification: Pathogenic for Hereditary diffuse gastric adenocarcinoma. Last evaluated: 2024-07-10. Review status: criteria provided, single submitter. Criteria: Myriad Autosomal Dominant, Autosomal Recessive and X-Linked Classification Criteria (2023). Collection method: clinical testing. Allele origin: unknown.
Comment: This variant is considered pathogenic. This variant creates a termination codon and is predicted to result in premature protein truncation.

European Reference Network on Genetic Tumour Risk Syndromes (ERN-GENTURIS), i3s - Instituto de Investigação e Inovação em Saúde, University of Porto
Classification: Pathogenic for Hereditary diffuse gastric adenocarcinoma. Last evaluated: 2022-08-01. Review status: criteria provided, single submitter. Criteria: Lee et al. (Hum Mutat. 2018). Collection method: clinical testing. Allele origin: germline. Inheritance: Autosomal dominant inheritance. Affected: yes. Study: ERN GENTURIS.
Comment: PVS1; PS4_Supporting; PM2 (PMID: 30311375)

Labcorp Genetics (formerly Invitae), Labcorp
Classification: Pathogenic for Hereditary diffuse gastric adenocarcinoma. Last evaluated: 2021-07-29. Review status: criteria provided, single submitter. Criteria: Invitae Variant Classification Sherloc (09022015). Collection method: clinical testing. Allele origin: germline.
Comment: For these reasons, this variant has been classified as Pathogenic. This variant has not been reported in the literature in individuals with CDH1-related conditions. This variant is not present in population databases (ExAC no frequency). This sequence change creates a premature translational stop signal (p.Tyr190*) in the CDH1 gene. It is expected to result in an absent or disrupted protein product. Loss-of-function variants in CDH1 are known to be pathogenic (PMID: 15235021, 20373070).

Ambry Genetics
Classification: Pathogenic for Hereditary cancer-predisposing syndrome. Last evaluated: 2021-06-08. Review status: criteria provided, single submitter. Criteria: Ambry Variant Classification Scheme 2023. Collection method: clinical testing. Allele origin: germline.
Comment: The p.Y190* pathogenic mutation (also known as c.570C>A), located in coding exon 5 of the CDH1 gene, results from a C to A substitution at nucleotide position 570. This changes the amino acid from a tyrosine to a stop codon within coding exon 5. This variant is considered to be rare based on population cohorts in the Genome Aggregation Database (gnomAD). This alteration is expected to result in loss of function by premature protein truncation or nonsense-mediated mRNA decay. As such, this alteration is interpreted as a disease-causing mutation.

Literature cited by the submitters: PubMed 36436516 (cited by European Reference Network on Genetic Tumour Risk Syndromes (ERN-GENTURIS), i3s - Instituto de Investigação e Inovação em Saúde, University of Porto); PubMed 15235021 (cited by Labcorp Genetics (formerly Invitae), Labcorp); PubMed 20373070 (cited by Labcorp Genetics (formerly Invitae), Labcorp).

NM_004360.5(CDH1):c.570C>A (p.Tyr190Ter)

Gene: CDH1 (cadherin 1; plus strand). Cytogenetic location: 16q22.1.
Variant type: single nucleotide variant.
Coding change: c.570C>A on transcript NM_004360.5 (MANE Select); coding-DNA position 570, C replaced by A.
Protein change: p.Tyr190Ter; replaces tyrosine 190 with a stop codon.
Molecular consequence: nonsense. On other transcripts: 5 prime UTR variant (2).
Genome position (GRCh38, 1-based): chr16:68,808,731, C>A. VCF-style: chr16-68808731-C-A. GRCh37 (hg19) VCF-style: chr16-68842634-C-A.
Other names: c.570C>A (NM_004360.4); c.570C>A, p.Tyr190Ter (NM_001317184.2); c.-1046C>A (NM_001317185.2); c.-1250C>A (NM_001317186.2); short protein forms Y190*.
Identifiers: ClinVar variation 1387468 (VCV001387468.9), dbSNP rs761753486, ClinGen allele CA396457925.